The following is an entry in ClinVar:

ClinVar aggregate classification (germline): Conflicting classifications of pathogenicity. Review status: criteria provided, conflicting classifications (1 of 4 stars). 3 submissions from 3 submitters: Likely pathogenic (1); Uncertain significance (2). Last evaluated 2025-11-03.

Conditions:
LRP5-related disorder. Also called: LRP5-related condition.

Submissions (3):

PreventionGenetics, part of Exact Sciences
Classification: Uncertain significance for LRP5-related condition. Last evaluated: 2025-11-03. Review status: criteria provided, single submitter. Criteria: ACMG Guidelines, 2015. Collection method: clinical testing. Allele origin: germline.
Comment: The LRP5 c.512G>C variant is predicted to result in the amino acid substitution p.Gly171Ala. To our knowledge, this variant has not been reported in the literature or in a large population database (gnomAD), indicating this variant is rare. Alternate variants impacting this amino acid position (p.Gly171Arg, p.Gly171Val) have been reported in the heterozygous state in individuals with LRP5-related disease, including familial exudative vitreoretinopathy or increased bone density (Li et al. 2018. PubMed ID: 30452590; van Wesenbeeck et al. 2003. PubMed ID: 12579474). Although we suspect that this variant may be pathogenic, at this time, the clinical significance of this variant is uncertain due to the absence of conclusive functional and genetic evidence.

Labcorp Genetics (formerly Invitae), Labcorp
Classification: Likely pathogenic. Last evaluated: 2023-09-09. Review status: criteria provided, single submitter. Criteria: Invitae Variant Classification Sherloc (09022015). Collection method: clinical testing. Allele origin: germline.
Comment: Advanced modeling of protein sequence and biophysical properties (such as structural, functional, and spatial information, amino acid conservation, physicochemical variation, residue mobility, and thermodynamic stability) has been performed at Invitae for this missense variant, however the output from this modeling did not meet the statistical confidence thresholds required to predict the impact of this variant on LRP5 protein function. In summary, the currently available evidence indicates that the variant is pathogenic, but additional data are needed to prove that conclusively. Therefore, this variant has been classified as Likely Pathogenic. This variant disrupts the p.Gly171 amino acid residue in LRP5. Other variant(s) that disrupt this residue have been determined to be pathogenic (PMID: 11741193, 12015390). This suggests that this residue is clinically significant, and that variants that disrupt this residue are likely to be disease-causing. ClinVar contains an entry for this variant (Variation ID: 1931418). This variant has not been reported in the literature in individuals affected with LRP5-related conditions. This variant is not present in population databases (gnomAD no frequency). This sequence change replaces glycine, which is neutral and non-polar, with alanine, which is neutral and non-polar, at codon 171 of the LRP5 protein (p.Gly171Ala).

Blueprint Genetics
Classification: Uncertain significance. Last evaluated: 2022-11-04. Review status: criteria provided, single submitter. Criteria: ACMG Guidelines, 2015. Collection method: clinical testing. Allele origin: germline.

Literature cited by the submitters: PubMed 11741193 (cited by Labcorp Genetics (formerly Invitae), Labcorp); PubMed 12015390 (cited by Labcorp Genetics (formerly Invitae), Labcorp).

NM_002335.4(LRP5):c.512G>C (p.Gly171Ala)

Gene: LRP5 (LDL receptor related protein 5; plus strand). Cytogenetic location: 11q13.2.
Variant type: single nucleotide variant.
Coding change: c.512G>C on transcript NM_002335.4 (MANE Select); coding-DNA position 512, G replaced by C.
Protein change: p.Gly171Ala; replaces glycine 171 with alanine.
Molecular consequence: missense variant. On other transcripts: 5 prime UTR variant (1).
Genome position (GRCh38, 1-based): chr11:68,357,673, G>C. VCF-style: chr11-68357673-G-C. GRCh37 (hg19) VCF-style: chr11-68125141-G-C.
Other names: c.-1254G>C (NM_001291902.2); c.512G>C (NM_002335.3); short protein forms G171A.
Identifiers: ClinVar variation 1931418 (VCV001931418.7), dbSNP rs121908668, ClinGen allele CA381611683.